The following is an entry in ClinVar:

ClinVar aggregate classification (germline): Benign (1 of 4 stars; one submission).

Conditions:
Fanconi anemia complementation group P. Also called: SLX4-Related Fanconi Anemia. Identifiers: Orphanet 84, MedGen C3469542, MONDO:0013499, OMIM 613951.

Allele frequency attached by ClinVar (database versions not stated): gnomAD 0.00441 and 0.00466; TOPMed 0.00501; 1000 Genomes Project 0.00579; 1000 Genomes Project 30x 0.00593.

Submission:

Illumina Laboratory Services, Illumina
Classification: Benign for Fanconi anemia complementation group P. Last evaluated: 2018-01-12. Review status: criteria provided, single submitter. Criteria: ICSL Variant Classification Criteria 13 December 2019. Collection method: clinical testing. Allele origin: germline.
Comment: This variant was observed in the ICSL laboratory as part of a predisposition screen in an ostensibly healthy population. It had not been previously curated by ICSL or reported in the Human Gene Mutation Database (HGMD: prior to June 1st, 2018), and was therefore a candidate for classification through an automated scoring system. Utilizing variant allele frequency, disease prevalence and penetrance estimates, and inheritance mode, an automated score was calculated to assess if this variant is too frequent to cause the disease. Based on the score and internal cut-off values, a variant classified as benign is not then subjected to further curation. The score for this variant resulted in a classification of benign for this disease.

NM_032444.4(SLX4):c.*1022A>G

Gene: SLX4 (SLX4 structure-specific endonuclease subunit; minus strand). Cytogenetic location: 16p13.3.
Variant type: single nucleotide variant.
Coding change: c.*1022A>G on transcript NM_032444.4 (MANE Select); 1022 bases downstream of the stop codon, A replaced by G.
Molecular consequence: 3 prime UTR variant.
Genome position (GRCh38, 1-based): chr16:3,581,320, T>C on the plus strand (A>G on the coding strand, the complement: SLX4 is on the minus strand). VCF-style: chr16-3581320-T-C. GRCh37 (hg19) VCF-style: chr16-3631321-T-C.
Other names: c.*1022A>G (LRG_503t1).
Identifiers: ClinVar variation 319123 (VCV000319123.5), dbSNP rs78346491, ClinGen allele CA10647437.
Genomic context (GRCh38, chr16:3,581,320, plus strand): 5'-AAGGATGGAGAAACCAAGGTTTCCTTCTTTCCTGGCCCTCATCTTCCTCCACACTGCTCC[T>C]GAGGCTGGAGGCAGCTTTAACCCAAAGAATGGAATCCGCTAGTGAACATGTTTGTTTTGT-3'